The following is an entry in ClinVar:

NM_001363118.2(SLC52A2):c.916G>C (p.Gly306Arg)

Gene: SLC52A2 (solute carrier family 52 member 2; plus strand). Cytogenetic location: 8q24.3.
Variant type: single nucleotide variant.
Coding change: c.916G>C on transcript NM_001363118.2 (MANE Select); coding-DNA position 916, G replaced by C.
Protein change: p.Gly306Arg; replaces glycine 306 with arginine.
Molecular consequence: missense variant. On other transcripts: non-coding transcript variant (1).
Genome position (GRCh38, 1-based): chr8:144,360,408, G>C. VCF-style: chr8-144360408-G-C. GRCh37 (hg19) VCF-style: chr8-145584068-G-C.
Other names: c.424G>C, p.Gly142Arg (NM_001363122.2, NM_001438089.1, NM_001438494.1 and 2 more transcripts); c.652G>C, p.Gly218Arg (NM_001410949.1); c.916G>C, p.Gly306Arg (NM_001438495.1, NM_001438496.1, NM_001438497.1 and 5 more transcripts); short protein forms G218R, G306R, G142R.
Identifiers: ClinVar variation 4752930 (VCV004752930.1).
Genomic context (GRCh38, chr8:144,360,408, plus strand): 5'-ACCAACGCGCTGACCAATGGCGTGCTGCCTGCCGTGCAGAGCTTTTCCTGCTTACCCTAC[G>C]GGCGTCTGGCCTACCACCTGGCTGTGGTGCTGGGCAGTGCTGCCAATCCCCTGGCCTGCT-3'
Protein context (NP_001350047.1, residues 296-316): AVQSFSCLPY[Gly306Arg]RLAYHLAVVL

ClinVar aggregate classification (germline): Pathogenic (1 of 4 stars; one submission).

Conditions:
Brown-Vialetto-van Laere syndrome 2. Also called: Riboflavin transporter deficiency type 2; SPINOCEREBELLAR ATAXIA WITH BLINDNESS AND DEAFNESS 2. Identifiers: Orphanet 572543, Orphanet 97229, MedGen C3553538, MONDO:0013867, OMIM 614707.

Submission:

Labcorp Genetics (formerly Invitae), Labcorp
Classification: Pathogenic for Brown-Vialetto-van Laere syndrome 2. Last evaluated: 2026-01-12. Review status: criteria provided, single submitter. Criteria: Invitae Variant Classification Sherloc (09022015). Collection method: clinical testing. Allele origin: germline.
Comment: This sequence change replaces glycine, which is neutral and non-polar, with arginine, which is basic and polar, at codon 306 of the SLC52A2 protein (p.Gly306Arg). This variant is not present in population databases (gnomAD no frequency). A different variant (c.916G>A) giving rise to the same protein effect has been determined to be pathogenic (PMID: 22740598, 24253200, 24616084, 25133958, 26669662). This suggests that this variant is also likely to be causative of disease. Invitae Evidence Modeling of protein sequence and biophysical properties (such as structural, functional, and spatial information, amino acid conservation, physicochemical variation, residue mobility, and thermodynamic stability) indicates that this missense variant is expected to disrupt SLC52A2 protein function with a positive predictive value of 95%. For these reasons, this variant has been classified as Pathogenic.

Literature cited by the submitters: PubMed 22740598; PubMed 24253200; PubMed 24616084; PubMed 25133958; PubMed 26669662.